The following is an entry in ClinVar:

ClinVar aggregate classification (germline): Uncertain significance (1 of 4 stars; one submission).

Submission:

GeneDx
Classification: Uncertain significance. Last evaluated: 2024-02-22. Review status: criteria provided, single submitter. Criteria: GeneDx Variant Classification Process June 2021. Collection method: clinical testing. Allele origin: germline. Affected: yes.
Comment: Not observed at significant frequency in large population cohorts (gnomAD); In silico analysis supports that this missense variant has a deleterious effect on protein structure/function; Has not been previously published as pathogenic or benign to our knowledge

NM_002641.4(PIGA):c.436G>A (p.Gly146Arg)

Gene: PIGA (phosphatidylinositol glycan anchor biosynthesis class A; minus strand). Cytogenetic location: Xp22.2.
Variant type: single nucleotide variant.
Coding change: c.436G>A on transcript NM_002641.4 (MANE Select); coding-DNA position 436, G replaced by A.
Protein change: p.Gly146Arg; replaces glycine 146 with arginine.
Molecular consequence: missense variant. On other transcripts: intron variant (1).
Genome position (GRCh38, 1-based): chrX:15,331,495, C>T on the plus strand (G>A on the coding strand, the complement: PIGA is on the minus strand). VCF-style: chrX-15331495-C-T. GRCh37 (hg19) VCF-style: chrX-15349617-C-T.
Other names: c.13+4006G>A (NM_020473.3); short protein forms G146R.
Identifiers: ClinVar variation 3369527 (VCV003369527.1).